The following is an entry in ClinVar:

NM_015164.4(PLEKHM2):c.93G>C (p.Glu31Asp)

Gene: PLEKHM2 (pleckstrin homology and RUN domain containing M2; plus strand). Cytogenetic location: 1p36.21.
Variant type: single nucleotide variant.
Coding change: c.93G>C on transcript NM_015164.4 (MANE Select); coding-DNA position 93, G replaced by C.
Protein change: p.Glu31Asp; replaces glutamic acid 31 with aspartic acid.
Molecular consequence: missense variant.
Genome position (GRCh38, 1-based): chr1:15,716,269, G>C. VCF-style: chr1-15716269-G-C. GRCh37 (hg19) VCF-style: chr1-16042764-G-C.
Other names: c.93G>C, p.Glu31Asp (NM_001410755.1); short protein forms E31D.
Identifiers: ClinVar variation 2999537 (VCV002999537.3), dbSNP rs2522382158, ClinGen allele CA338577344.

ClinVar aggregate classification (germline): Uncertain significance (1 of 4 stars; one submission).

Submission:

Labcorp Genetics (formerly Invitae), Labcorp
Classification: Uncertain significance. Last evaluated: 2022-10-31. Review status: criteria provided, single submitter. Criteria: Invitae Variant Classification Sherloc (09022015). Collection method: clinical testing. Allele origin: germline.
Comment: In summary, the available evidence is currently insufficient to determine the role of this variant in disease. Therefore, it has been classified as a Variant of Uncertain Significance. Algorithms developed to predict the effect of missense changes on protein structure and function (SIFT, PolyPhen-2, Align-GVGD) all suggest that this variant is likely to be tolerated. This variant has not been reported in the literature in individuals affected with PLEKHM2-related conditions. This variant is not present in population databases (gnomAD no frequency). This sequence change replaces glutamic acid, which is acidic and polar, with aspartic acid, which is acidic and polar, at codon 31 of the PLEKHM2 protein (p.Glu31Asp).